The following is an entry in ClinVar:

ClinVar aggregate classification (germline): Pathogenic. Review status: reviewed by expert panel (3 of 4 stars). 6 submissions from 6 submitters: Pathogenic (1). 5 of the submissions do not count toward it. Last evaluated 2026-09-26.

Conditions:
RS1-related disorder. Also called: RS1-related condition.
Juvenile retinoschisis (RS1). Also called: X-Linked Juvenile Retinoschisis; X-linked retinoschisis. Identifiers: Orphanet 792, MedGen C3714753, MONDO:0010725, OMIM 312700.

Submissions (6):

ClinGen X-linked Inherited Retinal Disease Variant Curation Expert Panel, ClinGen
Classification: Pathogenic for Juvenile retinoschisis. Last evaluated: 2026-09-26. Review status: reviewed by expert panel. Criteria: ClinGen X LinkedIRD ACMG Specifications RS1 V1.0.0. Collection method: curation. Allele origin: germline. Inheritance: X-linked inheritance.
Comment: The NM_000330.4(RS1):c.266A>G (p.Tyr89Cys) variant is a missense variant encoding the substitution of Tyrosine and Cystine at amino acid 89. This variant is absent from hemizygous individuals in gnomAD v4.1.0 (PM2_Supporting). The computational predictor REVEL gives a score of 0.912, which is within the ClinGen X-linked IRD VCEP range between 0.931 and 0.773 and predicts a damaging effect on RS1 function (PP3_moderate). The computational splicing predictor SpliceAI gives a delta score of 0.01 for donor loss and acceptor gain, which is below the ClinGen X-linked IRD VCEP threshold of >0.2 and does not predict that the variant disrupts RS1 splicing. COS-7 cells exogenously expressing the variant exhibit loss of RS1 secretion into the medium relative to the wild-type control (PMID: 16361673, PS3_Supporting). At least one proband harboring this variant exhibits the following phenotypes, including the appearance of schisis and reduced visual acuity before age 13 years and showing retinal detachment, which together are specific for X-linked retinoschisis (PMID: 17987333, PP4_Moderate). This variant has been reported in at least 3 apparently unrelated probands meeting one of the PS4 requirements of a male diagnosed with XLRS (PMIDs: 10220153, 11035549, 30652005, 19324861, 30551202, PS4_Moderate). The variant has been reported to segregate with retinal dystrophy through >3 meioses in two families (PP1_Strong; PMID: 17987333, 19324861). In summary, this variant is classified as pathogenic for X-linked retinoschisis based on the ClinGen X-linked Inherited Retinal Disease Expert Panel Specifications to the ACMG/AMP Variant Interpretation Guidelines for RS1 Version 1.0.0: PM2_Supporting, PP3_moderate, PS3_Supporting, PP4_Moderate, PS4_Moderate, and PP1_Strong.

Labcorp Genetics (formerly Invitae), Labcorp
Classification: Pathogenic. Last evaluated: 2025-09-26. Review status: criteria provided, single submitter. Criteria: Invitae Variant Classification Sherloc (09022015). Collection method: clinical testing. Allele origin: germline. Not counted in ClinVar's aggregate classification.
Comment: This sequence change replaces tyrosine, which is neutral and polar, with cysteine, which is neutral and slightly polar, at codon 89 of the RS1 protein (p.Tyr89Cys). This variant is not present in population databases (gnomAD no frequency). This missense change has been observed in individuals with congenital retinoschisis (PMID: 30652005). ClinVar contains an entry for this variant (Variation ID: 98923). Invitae Evidence Modeling of protein sequence and biophysical properties (such as structural, functional, and spatial information, amino acid conservation, physicochemical variation, residue mobility, and thermodynamic stability) indicates that this missense variant is expected to disrupt RS1 protein function with a positive predictive value of 95%. Experimental studies have shown that this missense change affects RS1 function (PMID: 16361673). This variant disrupts the p.Tyr89 amino acid residue in RS1. Other variant(s) that disrupt this residue have been determined to be pathogenic (internal data). This suggests that this residue is clinically significant, and that variants that disrupt this residue are likely to be disease-causing. For these reasons, this variant has been classified as Pathogenic.

Institute of Medical Genetics and Applied Genomics, University Hospital Tübingen
Classification: Pathogenic for Juvenile retinoschisis. Last evaluated: 2023-06-02. Review status: criteria provided, single submitter. Criteria: ACMG Guidelines, 2015. Collection method: clinical testing. Allele origin: germline. Inheritance: X-linked recessive inheritance. Affected: yes. Not counted in ClinVar's aggregate classification.

Blueprint Genetics
Classification: Pathogenic for RS1-related disorders. Last evaluated: 2022-06-24. Review status: criteria provided, single submitter. Criteria: ACMG Guidelines, 2015. Collection method: clinical testing. Allele origin: germline. Affected: yes. Observed: 1 variant allele. Not counted in ClinVar's aggregate classification.

Counsyl
Classification: Likely pathogenic for Juvenile retinoschisis. Last evaluated: 2016-09-07. Review status: no assertion criteria provided. Collection method: clinical testing. Allele origin: unknown. Not counted in ClinVar's aggregate classification.

Retina International
No classification provided. Review status: no classification provided. Collection method: not provided. Allele origin: unknown. Not counted in ClinVar's aggregate classification.

Literature cited by the submitters: PubMed 30652005 (cited by Labcorp Genetics (formerly Invitae), Labcorp); PubMed 16361673 (cited by Labcorp Genetics (formerly Invitae), Labcorp and Counsyl); PubMed 12782284 (cited by Counsyl); PubMed 20061330 (cited by Counsyl); PubMed 17987333 (cited by Counsyl); PubMed 19324861 (cited by Counsyl); PubMed 9618178 (cited by Counsyl); PubMed 15531314 (cited by Counsyl); PubMed 10220153 (cited by Counsyl).

NM_000330.4(RS1):c.266A>G (p.Tyr89Cys)

Genes: CDKL5 (cyclin dependent kinase like 5; plus strand), RS1 (retinoschisin 1; minus strand). Cytogenetic location: Xp22.13.
Variant type: single nucleotide variant.
Coding change: c.266A>G on transcript NM_000330.4 (MANE Select); coding-DNA position 266, A replaced by G.
Protein change: p.Tyr89Cys; replaces tyrosine 89 with cysteine.
Molecular consequence: missense variant. On other transcripts: intron variant (2).
Genome position (GRCh38, 1-based): chrX:18,647,251, T>C on the plus strand (A>G on the coding strand, the complement: RS1 is on the minus strand). VCF-style: chrX-18647251-T-C. GRCh37 (hg19) VCF-style: chrX-18665371-T-C.
Other names: NM_000330.4(RS1):c.266A>G; c.2797+1161T>C (NM_003159.3, NM_001037343.2); short protein forms Y89C.
Identifiers: ClinVar variation 98923 (VCV000098923.8), dbSNP rs61752060, ClinGen allele CA226645.
Genomic context (GRCh38, chrX:18,647,251, plus strand): 5'-CCAAAGCCTTGACTGTTGAGCCGGGCCTTGTTTGCAGTCCACGAAGAATACCAGCCCACA[T>C]ACTGCTCCGGGTTAGAGCAGGTGATCTGGTCCGGTGTGACCTCCCCTGACTCGAAACCCA-3'
Protein context (NP_000321.1, residues 79-99): DQITCSNPEQ[Tyr89Cys]VGWYSSWTAN